The following is an entry in ClinVar:

NM_007335.4(DLEC1):c.3657C>A (p.Leu1219=)

Gene: DLEC1 (DLEC1 cilia and flagella associated protein; plus strand). Cytogenetic location: 3p22.2.
Variant type: single nucleotide variant.
Coding change: c.3657C>A on transcript NM_007335.4 (MANE Select); coding-DNA position 3657, C replaced by A.
Protein change: p.Leu1219=; no amino-acid change (leucine 1219 retained).
Molecular consequence: synonymous variant.
Genome position (GRCh38, 1-based): chr3:38,112,352, C>A. VCF-style: chr3-38112352-C-A. GRCh37 (hg19) VCF-style: chr3-38153843-C-A.
Other names: c.3666C>A, p.Leu1222= (NM_001321153.2); c.3657C>A, p.Leu1219= (NM_007337.4).
Identifiers: ClinVar variation 775855 (VCV000775855.28), dbSNP rs77908941, ClinGen allele CA2314788.
Genomic context (GRCh38, chr3:38,112,352, plus strand): 5'-GCAGCTGTGCATTGACATCACAGGCTGTGCCAACATGTGGGGCGAGTACTGGGACAACCT[C>A]ATCTGCACGGTAAGGGTACACAAGAGGGCAGTGGCCTGGGGGGTGGAGAGTCTGCCCAGC-3'
Protein context (NP_031361.2, residues 1209-1229): ANMWGEYWDN[Leu1219=]ICTVGDLLPE

ClinVar aggregate classification (germline): Likely benign. Review status: criteria provided, multiple submitters, no conflicts (2 of 4 stars). 3 submissions from 3 submitters: Likely benign (3). Last evaluated 2022-09-01.

Allele frequency attached by ClinVar (database versions not stated): gnomAD exomes 0.00004 and 0.00013; ExAC 0.00013; 1000 Genomes Project 30x 0.00016; 1000 Genomes Project 0.00020; TOPMed 0.00051; gnomAD 0.00055 and 0.00061; ESP Exome Variant Server 0.00072.
gnomAD v4.1: 155 of 1,614,080 alleles (0.0096%); highest among the groups gnomAD compares: African/African-American, 0.17%; no homozygotes.

Submissions (3):

CeGaT Center for Human Genetics Tuebingen
Classification: Likely benign. Last evaluated: 2022-09-01. Review status: criteria provided, single submitter. Criteria: CeGaT Center For Human Genetics Tuebingen Variant Classification Criteria Version 2. Collection method: clinical testing. Allele origin: germline. Affected: yes. Observed: 1 variant allele.
Comment: DLEC1: BP4, BP7

Labcorp Genetics (formerly Invitae), Labcorp
Classification: Likely benign. Last evaluated: 2017-07-31. Review status: criteria provided, single submitter. Criteria: Invitae Variant Classification Sherloc (09022015). Collection method: clinical testing. Allele origin: germline.

Breakthrough Genomics
Classification: Likely benign. Review status: criteria provided, single submitter. Criteria: ACMG Guidelines, 2015. Collection method: not provided. Allele origin: germline. Inheritance: Unknown mechanism. Affected: yes.